The following is an entry in ClinVar:

NM_004656.4(BAP1):c.640A>G (p.Ile214Val)

Gene: BAP1 (BRCA1 associated deubiquitinase 1; minus strand). Cytogenetic location: 3p21.1.
Variant type: single nucleotide variant.
Coding change: c.640A>G on transcript NM_004656.4 (MANE Select); coding-DNA position 640, A replaced by G.
Protein change: p.Ile214Val; replaces isoleucine 214 with valine.
Molecular consequence: missense variant.
Genome position (GRCh38, 1-based): chr3:52,406,848, T>C on the plus strand (A>G on the coding strand, the complement: BAP1 is on the minus strand). VCF-style: chr3-52406848-T-C. GRCh37 (hg19) VCF-style: chr3-52440864-T-C.
Other names: c.640A>G, p.Ile214Val (NM_001410772.1); short protein forms I214V.
Identifiers: ClinVar variation 4827343 (VCV004827343.1).

ClinVar aggregate classification (germline): Uncertain significance (1 of 4 stars; one submission).

Conditions:
Hereditary cancer-predisposing syndrome. Also called: Neoplastic Syndromes, Hereditary; Tumor predisposition; Hereditary Cancer Syndrome; Hereditary neoplastic syndrome. Identifiers: Orphanet 140162, MedGen C0027672, MeSH D009386, MONDO:0015356.

gnomAD v4.1: 1 of 1,560,224 alleles (0.000064%); highest among the groups gnomAD compares: Admixed American, 0.0019%; no homozygotes.

Submission:

Ambry Genetics
Classification: Uncertain significance for Hereditary cancer-predisposing syndrome. Last evaluated: 2026-01-17. Review status: criteria provided, single submitter. Criteria: Ambry Variant Classification Scheme 2023. Collection method: clinical testing. Allele origin: germline.
Comment: The p.I214V variant (also known as c.640A>G), located in coding exon 8 of the BAP1 gene, results from an A to G substitution at nucleotide position 640. The isoleucine at codon 214 is replaced by valine, an amino acid with highly similar properties. This amino acid position is conserved. In addition, the in silico prediction for this alteration is inconclusive. Based on the available evidence, the clinical significance of this variant remains unclear.